The following is an entry in ClinVar:

NM_213622.4(STAMBP):c.1218+5G>T

Gene: STAMBP (STAM binding protein; plus strand). Cytogenetic location: 2p13.1.
Variant type: single nucleotide variant.
Coding change: c.1218+5G>T on transcript NM_213622.4 (MANE Select); 5 bases into the intron after coding-DNA position 1218, G replaced by T.
Molecular consequence: intron variant.
Genome position (GRCh38, 1-based): chr2:73,860,156, G>T. VCF-style: chr2-73860156-G-T. GRCh37 (hg19) VCF-style: chr2-74087283-G-T.
Other names: c.1218+5G>T (NM_001438900.1, NM_001353970.2, NM_006463.6 and 4 more transcripts); c.813+5G>T (NM_001353976.2, NM_001353974.2, NM_001353975.2 and 3 more transcripts).
Identifiers: ClinVar variation 5030293 (VCV005030293.1).
Genomic context (GRCh38, chr2:73,860,156, plus strand): 5'-CTTCCTGTCGCCAGAAAGGATTTCATCCACACAGCAAGGATCCACCTCTGTTCTGTGTAC[G>T]TATCTATGTAAAAGAAAATGGGGCTATGCTTCAAGCAGGGAGGACAGTCAGAGCTGATGA-3'

ClinVar aggregate classification (germline): Uncertain significance (1 of 4 stars; one submission).

Conditions:
Inborn genetic diseases. Identifiers: MedGen C0950123, MeSH D030342.

gnomAD v4.1: 1 of 1,610,876 alleles (0.000062%); highest among the groups gnomAD compares: Non-Finnish European, 0.000085%; no homozygotes.

Submission:

Ambry Genetics
Classification: Uncertain significance for Inborn genetic diseases. Last evaluated: 2026-07-30. Review status: criteria provided, single submitter. Criteria: Ambry Variant Classification Scheme 2023. Collection method: clinical testing. Allele origin: germline.
Comment: The c.1218+5G>T intronic alteration consists of a G to T substitution nucleotides after coding exon 8 in the STAMBP gene. This variant was not reported in population-based cohorts in the Genome Aggregation Database (gnomAD). Based on insufficient or conflicting evidence, the clinical significance of this alteration remains unclear.